The following is an entry in ClinVar:

NM_000051.4(ATM):c.5644C>T (p.Arg1882Ter)

Gene: ATM (ATM serine/threonine kinase; plus strand). Cytogenetic location: 11q22.3.
Variant type: single nucleotide variant.
Coding change: c.5644C>T on transcript NM_000051.4 (MANE Select); coding-DNA position 5644, C replaced by T.
Protein change: p.Arg1882Ter; replaces arginine 1882 with a stop codon.
Molecular consequence: nonsense.
Genome position (GRCh38, 1-based): chr11:108,304,822, C>T. VCF-style: chr11-108304822-C-T. GRCh37 (hg19) VCF-style: chr11-108175549-C-T.
Other names: c.5644C>T, p.Arg1882Ter (NM_001351834.2); short protein forms R1882*.
Identifiers: ClinVar variation 188737 (VCV000188737.93), dbSNP rs786204433, ClinGen allele CA334788.
Genomic context (GRCh38, chr11:108,304,822, plus strand): 5'-CTTTCTACACATGTTCAGGGATTTTTCACCAGCTGTCTTCGACACTTCTCGCAAACGAGC[C>T]GATCCACAACCCCTGCAAACTTGGATTCAGGTATTCTATTAAATTTTTAACATTAATACT-3'

ClinVar aggregate classification (germline): Pathogenic/Likely pathogenic. Review status: criteria provided, multiple submitters, no conflicts (2 of 4 stars). 20 submissions from 20 submitters: Pathogenic (17); Likely pathogenic (1). 2 of the submissions do not count toward it. Last evaluated 2026-08-06.

Conditions:
ATM-related disorder. Also called: ATM-related disorders; ATM-related condition.
ATM-related cancer predisposition. Also called: ATM-related cancer susceptibility. Identifiers: MedGen CN377759, MONDO:0700270.
Gastric cancer. Also called: Stomach cancer; Malignant tumor of stomach. Identifiers: MedGen C0024623, MeSH D013274, MONDO:0001056, OMIM 613659, HP:0012126.
Hereditary cancer-predisposing syndrome. Also called: Tumor predisposition; Neoplastic Syndromes, Hereditary; Hereditary Cancer Syndrome; Hereditary neoplastic syndrome. Identifiers: Orphanet 140162, MedGen C0027672, MeSH D009386, MONDO:0015356.
Ataxia-telangiectasia syndrome (AT). Also called: LOUIS-BAR SYNDROME; Ataxia-telangiectasia, complementation group D; Ataxia telangiectasia (A-T); AT, COMPLEMENTATION GROUP C; ATAXIA-TELANGIECTASIA, COMPLEMENTATION GROUP A; ATAXIA-TELANGIECTASIA, FRESNO VARIANT. Identifiers: Orphanet 100, MedGen C0004135, MONDO:0008840, OMIM 208900.
Familial cancer of breast. Also called: hereditary breast carcinoma; BREAST CANCER, FAMILIAL; Hereditary breast cancer. Identifiers: Orphanet 227535, MedGen C0346153, MONDO:0016419, OMIM 114480. Disease mechanism: loss of function.

Allele frequency attached by ClinVar (database versions not stated): gnomAD 0.00001; gnomAD exomes 0.00001.
gnomAD v4.1: 8 of 1,613,926 alleles (0.0005%); highest among the groups gnomAD compares: Middle Eastern, 0.016%; no homozygotes.

Submissions 1 to 10 of 20:

OLLIN Analises Genomicas, OLLIN
Classification: Pathogenic for Ataxia-telangiectasia syndrome. Last evaluated: 2026-08-06. Review status: criteria provided, single submitter. Criteria: ACMG Guidelines 2015 PMID 25741868. Collection method: clinical testing. Allele origin: germline. Inheritance: Autosomal recessive inheritance.
Comment: This nonsense variant, located in exon 37 (of 63), has been reported in ClinVar (accession VCV000188737.90), in gnomAD with an allele frequency of 0.0005%, and in the scientific literature, in compound heterozygosity, in individuals with ATM related disorders (PMID: 12552559, 12815592, 15039971, 21665257, 23322442). This variant introduces a premature stop codon, which is predicted to result in either a truncated protein or degradation of the mRNA via nonsense-mediated decay (NMD). According to the currently available evidence, this variant has been classified as pathogenic (PVS1, PM3_VS, PM2_P).

Labcorp Genetics (formerly Invitae), Labcorp
Classification: Pathogenic for Ataxia-telangiectasia syndrome. Last evaluated: 2026-01-24. Review status: criteria provided, single submitter. Criteria: Invitae Variant Classification Sherloc (09022015). Collection method: clinical testing. Allele origin: germline.
Comment: This sequence change creates a premature translational stop signal (p.Arg1882*) in the ATM gene. It is expected to result in an absent or disrupted protein product. Loss-of-function variants in ATM are known to be pathogenic (PMID: 23807571, 25614872). This variant is not present in population databases (gnomAD no frequency). This premature translational stop signal has been observed in individual(s) with ataxia-telangiectasia and breast cancer (PMID: 12552559, 12815592, 15039971, 21665257, 23322442, 25625042). ClinVar contains an entry for this variant (Variation ID: 188737). For these reasons, this variant has been classified as Pathogenic.

Ambry Genetics
Classification: Pathogenic for Hereditary cancer-predisposing syndrome. Last evaluated: 2025-06-06. Review status: criteria provided, single submitter. Criteria: Ambry Variant Classification Scheme 2023. Collection method: clinical testing. Allele origin: germline.
Comment: The p.R1882* pathogenic mutation (also known as c.5644C>T), located in coding exon 36 of the ATM gene, results from a C to T substitution at nucleotide position 5644. This changes the amino acid from an arginine to a stop codon within coding exon 36. This mutation has been previously reported in multiple homozygous and compound heterozygous individuals with ataxia telangiectasia (Buzin CH et al. Hum. Mutat. 2003 Feb;21:123-31; Jeddane L et al. Neuromolecular Med. 2013 Jun;15:288-94). It has also been identified in a series of 100 sporadic breast cancer patients from Brazil (Mangone FR et al. Springerplus. 2015 Jan;4:23), as well as in a cohort of 323 Spanish hereditary breast cancer patients (Gra&ntilde;a B et al. Breast Cancer Res. Treat. 2011 Jul;128:573-9). This variant is considered to be rare based on population cohorts in the Genome Aggregation Database (gnomAD). In addition to the clinical data presented in the literature, this alteration is expected to result in loss of function by premature protein truncation or nonsense-mediated mRNA decay. As such, this alteration is interpreted as a disease-causing mutation.

Division of Genetic & Genomic Pathology, Hong Kong Children's Hospital
Classification: Likely pathogenic for ATM-related cancer predisposition. Last evaluated: 2024-12-03. Review status: criteria provided, single submitter. Criteria: ACMG Guidelines, 2015. Collection method: clinical testing. Allele origin: germline. Affected: yes.
Comment: The ATM c.5644C>T p.(Arg1882Ter) nonsense variant is located in exon 37 (out of 63 exons). It is predicted to cause loss of normal protein function either by protein truncation or nonsense-mediated mRNA decay. This variant is present at a low frequency in population controls (gnomAD v4.1.0: 8 heterozygotees in 1,613,926 alleles). It is deposited in ClinVar as pathogenic/likely pathogenic (accession no. VCV000188737.65). For these reasons, this variant is classified as likely pathogenic.

Natera, Inc.
Classification: Pathogenic for Ataxia-telangiectasia. Last evaluated: 2024-10-16. Review status: criteria provided, single submitter. Criteria: Natera Variant Classification Schema (03/2026). Collection method: clinical testing. Allele origin: germline.
Comment: The c.5644C>T variant in ATM is a nonsense variant predicted to introduce a stop codon at amino acid 1882. This variant is expected to result in nonsense mediated decay, truncation, or a dysfunctional protein product. This variant is rare in the general population with a frequency below the threshold expected for the associated phenotype(s). This variant has been observed in one or more individuals affected with the associated recessive disease, as either homozygous or compound heterozygous with a second variant (PMID: 23322442). Given the available evidence, this variant is classified as Pathogenic.

3billion
Classification: Pathogenic for Ataxia-telangiectasia syndrome. Last evaluated: 2024-10-10. Review status: criteria provided, single submitter. Criteria: ACMG Guidelines, 2015. Collection method: clinical testing. Allele origin: germline. Affected: yes.
Comment: The variant is observed at an extremely low frequency in the gnomAD v4.1.0 dataset (total allele frequency: <0.001%). Predicted Consequence/Location: Stop-gained (nonsense): predicted to result in a loss or disruption of normal protein function through nonsense-mediated decay (NMD) or protein truncation. Multiple pathogenic variants are reported downstream of the variant. The variant has been reported at least twice as pathogenic with clinical assertions and evidence for the classification (ClinVar ID: VCV000188737 /PMID: 12552559 /3billion dataset). Therefore, this variant is classified as Pathogenic according to the recommendation of ACMG/AMP guideline.

Fulgent Genetics
Classification: Pathogenic for Familial cancer of breast; Ataxia-telangiectasia syndrome. Last evaluated: 2024-04-25. Review status: criteria provided, single submitter. Criteria: ACMG Guidelines, 2015. Collection method: clinical testing. Allele origin: germline.

Baylor Genetics
Classification: Pathogenic for Familial cancer of breast. Last evaluated: 2024-02-05. Review status: criteria provided, single submitter. Criteria: ACMG Guidelines, 2015. Collection method: clinical testing. Allele origin: unknown.

Myriad Genetics, Inc.
Classification: Pathogenic for Familial cancer of breast. Last evaluated: 2024-01-25. Review status: criteria provided, single submitter. Criteria: Myriad Autosomal Dominant, Autosomal Recessive and X-Linked Classification Criteria (2023). Collection method: clinical testing. Allele origin: unknown.
Comment: This variant is considered pathogenic. This variant creates a termination codon and is predicted to result in premature protein truncation.

Color Diagnostics, LLC DBA Color Health
Classification: Pathogenic for Hereditary cancer-predisposing syndrome. Last evaluated: 2023-07-18. Review status: criteria provided, single submitter. Criteria: ACMG Guidelines, 2015. Collection method: clinical testing. Allele origin: germline.
Comment: This variant changes 1 nucleotide in exon 37 of the ATM gene, creating a premature translation stop signal. This variant is expected to result in an absent or non-functional protein product. This variant has been reported in the literature in individuals affected with ataxia-telangiectasia in both the compound heterozygous and homozygous state (PMID: 12552559, 15039971, 23322442, 12815592, 21665257) as well as in individuals affected with breast cancer (PMID: 25625042, 37239058). This variant has not been identified in the general population by the Genome Aggregation Database (gnomAD). Loss of ATM function is a known mechanism of disease. Based on the available evidence, this variant is classified as Pathogenic.